The following is an entry in ClinVar:

ClinVar aggregate classification (germline): Pathogenic. Review status: criteria provided, multiple submitters, no conflicts (2 of 4 stars). 4 submissions from 4 submitters: Pathogenic (3). 1 of the submissions does not count toward it. Last evaluated 2023-06-13.

Conditions:
Hereditary nonpolyposis colorectal neoplasms. Identifiers: MedGen C0009405, MeSH D003123.
Hereditary cancer-predisposing syndrome. Also called: Hereditary Cancer Syndrome; Hereditary neoplastic syndrome; Tumor predisposition; Neoplastic Syndromes, Hereditary. Identifiers: Orphanet 140162, MedGen C0027672, MeSH D009386, MONDO:0015356.

Submissions (4):

Color Diagnostics, LLC DBA Color Health
Classification: Pathogenic for Hereditary cancer-predisposing syndrome. Last evaluated: 2023-06-13. Review status: criteria provided, single submitter. Criteria: ACMG Guidelines, 2015. Collection method: clinical testing. Allele origin: germline.
Comment: This variant deletes 1 nucleotide in exon 4 of the MSH6 gene, creating a frameshift and premature translation stop signal. This variant is expected to result in an absent or non-functional protein product. This variant has been reported in an individual affected with pancreatic ductal adenocarcinoma (PMID: 25479140). This variant has not been identified in the general population by the Genome Aggregation Database (gnomAD). Loss of MSH6 function is a known mechanism of disease. Based on the available evidence, this variant is classified as Pathogenic.

Ambry Genetics
Classification: Pathogenic for Hereditary cancer-predisposing syndrome. Last evaluated: 2023-04-18. Review status: criteria provided, single submitter. Criteria: Ambry Variant Classification Scheme 2023. Collection method: clinical testing. Allele origin: germline.
Comment: The c.1707delC pathogenic mutation, located in coding exon 4 of the MSH6 gene, results from a deletion of one nucleotide at nucleotide position 1707, causing a translational frameshift with a predicted alternate stop codon (p.F569Lfs*2). This alteration was identified amongst a cohort of 290 pancreatic ductal adenocarcinoma patients undergoing germline genetic testing (Grant RC et al. Gastroenterology, 2015 Mar;148:556-64). This variant is considered to be rare based on population cohorts in the Genome Aggregation Database (gnomAD). In addition to the clinical data presented in the literature, this alteration is expected to result in loss of function by premature protein truncation or nonsense-mediated mRNA decay. As such, this alteration is interpreted as a disease-causing mutation.

Labcorp Genetics (formerly Invitae), Labcorp
Classification: Pathogenic for Hereditary nonpolyposis colorectal neoplasms. Last evaluated: 2020-08-26. Review status: criteria provided, single submitter. Criteria: Invitae Variant Classification Sherloc (09022015). Collection method: clinical testing. Allele origin: germline.
Comment: For these reasons, this variant has been classified as Pathogenic. Loss-of-function variants in MSH6 are known to be pathogenic (PMID: 18269114, 24362816). This variant has been observed in a family affected with Lynch syndrome-related cancers (PMID: 25479140), as well as in an individual undergoing Lynch syndrome testing (PMID: 28514183). This variant is not present in population databases (ExAC no frequency). This sequence change creates a premature translational stop signal (p.Phe569Leufs*2) in the MSH6 gene. It is expected to result in an absent or disrupted protein product.

Department of Pathology and Laboratory Medicine, Sinai Health System
Classification: Uncertain significance. Review status: no assertion criteria provided. Collection method: clinical testing. Allele origin: unknown. Affected: yes. Observed: 1 variant allele. Study: The Canadian Open Genetics Repository (COGR). Not counted in ClinVar's aggregate classification.

Literature cited by the submitters: PubMed 25479140 (cited by 3 submitters); PubMed 18269114 (cited by Labcorp Genetics (formerly Invitae), Labcorp); PubMed 24362816 (cited by Labcorp Genetics (formerly Invitae), Labcorp); PubMed 28514183 (cited by Labcorp Genetics (formerly Invitae), Labcorp).

NM_000179.3(MSH6):c.1707del (p.Phe569fs)

Gene: MSH6 (mutS homolog 6; plus strand). Cytogenetic location: 2p16.3.
Variant type: Deletion.
Coding change: c.1707del on transcript NM_000179.3 (MANE Select); coding-DNA position 1707, one base deleted (C; older notation c.1707delC).
Protein change: p.Phe569fs; shifts the reading frame from phenylalanine 569.
Molecular consequence: frameshift variant.
Genome position (GRCh38, 1-based): chr2:47,799,690, C deleted. VCF-style (leftmost placement, unchanged base first): chr2-47799689-TC-T. GRCh37 (hg19) VCF-style: chr2-48026828-TC-T.
Other names: c.1707delC (NM_000179.2); c.1317del, p.Phe439fs (NM_001281492.2); c.801del, p.Phe267fs (NM_001281493.2, NM_001281494.2); short protein forms F267fs, F569fs, F439fs.
Identifiers: ClinVar variation 841481 (VCV000841481.14), dbSNP rs1669364351, ClinGen allele CA916079933.